The following is an entry in ClinVar:

NM_002599.5(PDE2A):c.2688C>A (p.Thr896=)

Gene: PDE2A (phosphodiesterase 2A; minus strand). Cytogenetic location: 11q13.4.
Variant type: single nucleotide variant.
Coding change: c.2688C>A on transcript NM_002599.5 (MANE Select); coding-DNA position 2688, C replaced by A.
Protein change: p.Thr896=; no amino-acid change (threonine 896 retained).
Molecular consequence: synonymous variant.
Genome position (GRCh38, 1-based): chr11:72,577,522, G>T on the plus strand (C>A on the coding strand, the complement: PDE2A is on the minus strand). VCF-style: chr11-72577522-G-T. GRCh37 (hg19) VCF-style: chr11-72288566-G-T.
Other names: c.2667C>A, p.Thr889= (NM_001143839.4); c.2661C>A, p.Thr887= (NM_001146209.3); c.2625C>A, p.Thr875= (NM_001243784.2).
Identifiers: ClinVar variation 2642122 (VCV002642122.24), dbSNP rs753761591, ClinGen allele CA6171773.

ClinVar aggregate classification (germline): Likely benign (1 of 4 stars; one submission).

Allele frequency attached by ClinVar (database versions not stated): gnomAD 0.00001; gnomAD exomes 0.00001; TOPMed 0.00001; ExAC 0.00002.
gnomAD v4.1: 19 of 1,612,620 alleles (0.0012%); highest among the groups gnomAD compares: Admixed American, 0.005%; no homozygotes.

Submission:

CeGaT Center for Human Genetics Tuebingen
Classification: Likely benign. Last evaluated: 2022-11-01. Review status: criteria provided, single submitter. Criteria: CeGaT Center For Human Genetics Tuebingen Variant Classification Criteria Version 2. Collection method: clinical testing. Allele origin: germline. Affected: yes. Observed: 1 variant allele.
Comment: PDE2A: BP4, BP7